The following is an entry in ClinVar:

ClinVar aggregate classification (germline): Uncertain significance (1 of 4 stars; one submission).

Allele frequency attached by ClinVar (database versions not stated): gnomAD exomes below 0.00001 and 0.00001; gnomAD 0.00001; TOPMed 0.00001.
gnomAD v4.1: 9 of 1,610,664 alleles (0.00056%); highest among the groups gnomAD compares: African/African-American, 0.0013%; no homozygotes.

Submission:

Labcorp Genetics (formerly Invitae), Labcorp
Classification: Uncertain significance. Last evaluated: 2023-12-07. Review status: criteria provided, single submitter. Criteria: Invitae Variant Classification Sherloc (09022015). Collection method: clinical testing. Allele origin: germline.
Comment: This sequence change replaces alanine, which is neutral and non-polar, with valine, which is neutral and non-polar, at codon 258 of the KCNV2 protein (p.Ala258Val). The frequency data for this variant in the population databases is considered unreliable, as metrics indicate poor data quality at this position in the gnomAD database. This variant has not been reported in the literature in individuals affected with KCNV2-related conditions. ClinVar contains an entry for this variant (Variation ID: 1016769). Advanced modeling of protein sequence and biophysical properties (such as structural, functional, and spatial information, amino acid conservation, physicochemical variation, residue mobility, and thermodynamic stability) performed at Invitae indicates that this missense variant is not expected to disrupt KCNV2 protein function with a negative predictive value of 80%. In summary, the available evidence is currently insufficient to determine the role of this variant in disease. Therefore, it has been classified as a Variant of Uncertain Significance.

NM_133497.4(KCNV2):c.773C>T (p.Ala258Val)

Gene: KCNV2 (potassium voltage-gated channel modifier subfamily V member 2; plus strand). Cytogenetic location: 9p24.2.
Variant type: single nucleotide variant.
Coding change: c.773C>T on transcript NM_133497.4 (MANE Select); coding-DNA position 773, C replaced by T.
Protein change: p.Ala258Val; replaces alanine 258 with valine.
Molecular consequence: missense variant.
Genome position (GRCh38, 1-based): chr9:2,718,512, C>T. VCF-style: chr9-2718512-C-T. GRCh37 (hg19) VCF-style: chr9-2718512-C-T.
Other names: short protein forms A258V.
Identifiers: ClinVar variation 1016769 (VCV001016769.8), dbSNP rs1301366734, ClinGen allele CA372799240.
Genomic context (GRCh38, chr9:2,718,512, plus strand): 5'-TCTACGGCCCGCAGCGGCGCCGCCTCTGGAACCTCATGGAGAAGCCATTCTCCTCGGTGG[C>T]CGCCAAGGCCATCGGGGTGGCCTCCAGCACCTTCGTGCTCGTCTCCGTGGTGGCGCTGGC-3'
Protein context (NP_598004.1, residues 248-268): NLMEKPFSSV[Ala258Val]AKAIGVASST